The following is an entry in ClinVar:

ClinVar aggregate classification (germline): Pathogenic. Review status: criteria provided, multiple submitters, no conflicts (2 of 4 stars). 2 submissions from 2 submitters: Pathogenic (2). Last evaluated 2022-05-24.

Conditions:
Hereditary breast ovarian cancer syndrome. Also called: Hereditary breast and ovarian cancer; Hereditary breast and/or ovarian cancer syndrome; Hereditary breast and ovarian cancer syndrome; Hereditary breast and ovarian cancer syndrome (HBOC); BRCA1- and BRCA2-Associated Hereditary Breast and Ovarian Cancer; Breast and ovarian cancer. Identifiers: Orphanet 145, MedGen C0677776, MeSH D061325, MONDO:0003582. Disease mechanism: loss of function.
Hereditary cancer-predisposing syndrome. Also called: Tumor predisposition; Hereditary neoplastic syndrome; Neoplastic Syndromes, Hereditary; Hereditary Cancer Syndrome. Identifiers: Orphanet 140162, MedGen C0027672, MeSH D009386, MONDO:0015356.

Submissions (2):

Ambry Genetics
Classification: Pathogenic for Hereditary cancer-predisposing syndrome. Last evaluated: 2022-05-24. Review status: criteria provided, single submitter. Criteria: Ambry Variant Classification Scheme 2023. Collection method: clinical testing. Allele origin: germline.
Comment: The c.1691delA pathogenic mutation, located in coding exon 9 of the BRCA1 gene, results from a deletion of one nucleotide at nucleotide position 1691, causing a translational frameshift with a predicted alternate stop codon (p.N564Mfs*8). This variant is considered to be rare based on population cohorts in the Genome Aggregation Database (gnomAD). This alteration is expected to result in loss of function by premature protein truncation or nonsense-mediated mRNA decay. As such, this alteration is interpreted as a disease-causing mutation.

Labcorp Genetics (formerly Invitae), Labcorp
Classification: Pathogenic for Hereditary breast ovarian cancer syndrome. Last evaluated: 2019-07-10. Review status: criteria provided, single submitter. Criteria: Invitae Variant Classification Sherloc (09022015). Collection method: clinical testing. Allele origin: germline.
Comment: For these reasons, this variant has been classified as Pathogenic. This sequence change creates a premature translational stop signal (p.Asn564Metfs*8) in the BRCA1 gene. It is expected to result in an absent or disrupted protein product. This variant is not present in population databases (ExAC no frequency). This variant has not been reported in the literature in individuals with BRCA1-related conditions. Loss-of-function variants in BRCA1 are known to be pathogenic (PMID: 20104584).

Literature cited by the submitters: PubMed 20104584 (cited by Labcorp Genetics (formerly Invitae), Labcorp).

NM_007294.4(BRCA1):c.1691del (p.Asn564fs)

Gene: BRCA1 (BRCA1 DNA repair associated; minus strand). Cytogenetic location: 17q21.31.
Variant type: Deletion.
Coding change: c.1691del on transcript NM_007294.4 (MANE Select); coding-DNA position 1691, one base deleted (A; older notation c.1691delA).
Protein change: p.Asn564fs; shifts the reading frame from asparagine 564.
Molecular consequence: frameshift variant. On other transcripts: intron variant (137).
Genome position (GRCh38, 1-based): chr17:43,093,840, T deleted on the plus strand (A on the coding strand, the reverse complement: BRCA1 is on the minus strand); the first of 2 consecutive T bases (chr17:43,093,840-43,093,841); deleting either gives the same sequence. VCF-style (leftmost placement, unchanged base first): chr17-43093839-AT-A. GRCh37 (hg19) VCF-style: chr17-41245856-AT-A.
Other names: c.1691delA (NM_007294.3); c.1478del, p.Asn493fs (NM_001407571.1, NM_001407853.1, NM_001407894.1 and 9 more transcripts); c.1691del, p.Asn564fs (NM_001407581.1, NM_001407582.1, NM_001407583.1 and 30 more transcripts); c.1688del, p.Asn563fs (NM_001407587.1, NM_001407590.1, NM_001407591.1 and 22 more transcripts); c.1682del, p.Asn561fs (NM_001407646.1, NM_001407647.1); c.1568del, p.Asn523fs (NM_001407648.1, NM_001407664.1, NM_001407665.1 and 19 more transcripts); c.1565del, p.Asn522fs (NM_001407649.1, NM_001407670.1, NM_001407671.1 and 11 more transcripts); c.1613del, p.Asn538fs (NM_001407653.1, NM_001407654.1, NM_001407655.1 and 4 more transcripts); and 42 more; short protein forms N564fs, N517fs, N437fs, N452fs, N476fs, N494fs, N522fs, N538fs.
Identifiers: ClinVar variation 951336 (VCV000951336.11), dbSNP rs2053899411, ClinGen allele CA1139664789.
Genomic context (GRCh38, chr17:43,093,839, plus strand): 5'-AGCTTTCGTTTTGAAAGCAGATTCTTTTTCGAGTGATTCTATTGGGTTAGGATTTTTCTC[AT>A]TCTGAATAGAATCACCTTTTGTTTTATTCTCATGACCACTATTAGTAATATTCATCACTT-3'